The following is an entry in ClinVar:

NM_003491.4(NAA10):c.121-20C>G

Gene: NAA10 (N-alpha-acetyltransferase 10, NatA catalytic subunit; minus strand). Cytogenetic location: Xq28.
Variant type: single nucleotide variant.
Coding change: c.121-20C>G on transcript NM_003491.4 (MANE Select); 20 bases into the intron before coding-DNA position 121, C replaced by G.
Molecular consequence: intron variant.
Genome position (GRCh38, 1-based): chrX:153,934,021, G>C on the plus strand (C>G on the coding strand, the complement: NAA10 is on the minus strand). VCF-style: chrX-153934021-G-C. GRCh37 (hg19) VCF-style: chrX-153199474-G-C.
Other names: c.121-20C>G (NM_001256120.2, NM_001256119.2).
Identifiers: ClinVar variation 4854692 (VCV004854692.1).

ClinVar aggregate classification (germline): Uncertain significance (1 of 4 stars; one submission).

Conditions:
Ogden syndrome (OGDNS). Also called: N-TERMINAL ACETYLTRANSFERASE DEFICIENCY. Identifiers: Orphanet 276432, MedGen C3275447, MONDO:0010457, OMIM 300855.

Submission:

3billion
Classification: Uncertain significance for Ogden syndrome. Last evaluated: 2025-07-25. Review status: criteria provided, single submitter. Criteria: ACMG Guidelines, 2015. Collection method: clinical testing. Allele origin: germline. Affected: yes.
Comment: The variant is not observed in the gnomAD v4.1.0 dataset. Predicted Consequence/Location: Intron variant In silico tools predict the variant to alter splicing and produce an abnormal transcript [SpliceAI: 0.34 (>=0.2, moderate evidence for spliceogenicity)]. Therefore, this variant is classified as VUS according to the recommendation of ACMG/AMP guideline.